The following is an entry in ClinVar:

ClinVar aggregate classification (germline): Uncertain significance. Review status: criteria provided, single submitter (1 of 4 stars). 2 submissions from 2 submitters: Uncertain significance (1). 1 of the submissions does not count toward it. Last evaluated 2024-04-17.

Conditions:
Heart defects, congenital, and other congenital anomalies. Also called: Pancreatic hypoplasia-diabetes-congenital heart disease syndrome; PANCREATIC HYPOPLASIA, CONGENITAL, WITH DIABETES MELLITUS AND CONGENITAL HEART DISEASE. Identifiers: Orphanet 2255, MedGen C2931296, MONDO:0010802, OMIM 600001.

Submissions (2):

GeneDx
Classification: Uncertain significance. Last evaluated: 2024-04-17. Review status: criteria provided, single submitter. Criteria: GeneDx Variant Classification Process June 2021. Collection method: clinical testing. Allele origin: germline. Affected: yes.
Comment: Not observed at significant frequency in large population cohorts (gnomAD); Reported in an individual with an atrial septal defect, pulmonary stenosis, pancreatic and pituitary agenesis, seizures, and learning disability (PMID: 22158542); In silico analysis supports that this missense variant has a deleterious effect on protein structure/function; This variant is associated with the following publications: (PMID: 36808723, 22158542)

OMIM
Classification: Pathogenic for HEART DEFECTS, CONGENITAL, AND OTHER CONGENITAL ANOMALIES. Last evaluated: 2011-12-11. Review status: no assertion criteria provided. Collection method: literature only. Allele origin: germline. Not counted in ClinVar's aggregate classification.

Literature cited by the submitters: PubMed 22158542 (cited by OMIM).

NM_005257.6(GATA6):c.1399G>A (p.Ala467Thr)

Gene: GATA6 (GATA binding protein 6; plus strand). Cytogenetic location: 18q11.2.
Variant type: single nucleotide variant.
Coding change: c.1399G>A on transcript NM_005257.6 (MANE Select); coding-DNA position 1399, G replaced by A.
Protein change: p.Ala467Thr; replaces alanine 467 with threonine.
Molecular consequence: missense variant.
Genome position (GRCh38, 1-based): chr18:22,181,549, G>A. VCF-style: chr18-22181549-G-A. GRCh37 (hg19) VCF-style: chr18-19761510-G-A.
Other names: c.1399G>A (NM_005257.4); short protein forms A467T.
Identifiers: ClinVar variation 30216 (VCV000030216.4), dbSNP rs387906820, ClinGen allele CA129032.